The following is an entry in ClinVar:

ClinVar aggregate classification (germline): Uncertain significance (1 of 4 stars; one submission).

Conditions:
Bronchiectasis with or without elevated sweat chloride 1 (BESC1). Also called: Cystic Fibrosis-Like Syndrome. Identifiers: Orphanet 60033, MedGen C2749757, MONDO:0008887, OMIM 211400.
Hereditary pancreatitis (PCTT). Also called: Hereditary chronic pancreatitis; PRSS1-Related Hereditary Pancreatitis. Identifiers: Orphanet 676, MedGen C0238339, MONDO:0008185, OMIM 167800.
Cystic fibrosis (CF). Also called: MUCOVISCIDOSIS. Identifiers: Orphanet 586, MedGen C0010674, MONDO:0009061, OMIM 219700. Disease mechanism: loss of function.
Congenital bilateral aplasia of vas deferens from CFTR mutation (CBAVD). Identifiers: Orphanet 48, MedGen C0403814, MONDO:0010178, OMIM 277180. Disease mechanism: loss of function.

gnomAD v4.1: 2 of 1,613,380 alleles (0.00012%); highest among the groups gnomAD compares: South Asian, 0.0011%; no homozygotes.

Submission:

Juno Genomics, Hangzhou Juno Genomics, Inc
Classification: Uncertain significance for Congenital bilateral aplasia of vas deferens from CFTR mutation; Cystic fibrosis; Bronchiectasis with or without elevated sweat chloride 1; Hereditary pancreatitis. Review status: criteria provided, single submitter. Criteria: ACMG Guidelines, 2015. Collection method: clinical testing. Allele origin: germline. Affected: yes.
Comment: Absent from controls (or at extremely low frequency if recessive) in Genome Aggregation Database, Exome Sequencing Project, 1000 Genomes Project, or Exome Aggregation Consortium.;Multiple lines of computational evidence suggest no impact on gene or gene product (conservation, evolutionary, splicing impact, etc).

NM_000492.4(CFTR):c.3536C>T (p.Thr1179Ile)

Genes: CFTR (CF transmembrane conductance regulator; plus strand), CFTR-AS2 (CFTR antisense RNA 2; minus strand). Cytogenetic location: 7q31.2.
Variant type: single nucleotide variant.
Coding change: c.3536C>T on transcript NM_000492.4 (MANE Select); coding-DNA position 3536, C replaced by T.
Protein change: p.Thr1179Ile; replaces threonine 1179 with isoleucine.
Molecular consequence: missense variant.
Genome position (GRCh38, 1-based): chr7:117,627,589, C>T. VCF-style: chr7-117627589-C-T. GRCh37 (hg19) VCF-style: chr7-117267643-C-T.
Other names: short protein forms T1179I.
Identifiers: ClinVar variation 3383012 (VCV003383012.2).